The following is an entry in ClinVar:

ClinVar aggregate classification (germline): Uncertain significance (1 of 4 stars; one submission).

Submission:

Labcorp Genetics (formerly Invitae), Labcorp
Classification: Uncertain significance. Last evaluated: 2024-01-22. Review status: criteria provided, single submitter. Criteria: Invitae Variant Classification Sherloc (09022015). Collection method: clinical testing. Allele origin: germline.
Comment: This sequence change replaces alanine, which is neutral and non-polar, with lysine, which is basic and polar, at codon 456 of the RBPJ protein (p.Ala456Lys). Information on the frequency of this variant in the gnomAD database is not available, as this variant may be reported differently in the database. This variant has not been reported in the literature in individuals affected with RBPJ-related conditions. ClinVar contains an entry for this variant (Variation ID: 1717092). An algorithm developed to predict the effect of missense changes on protein structure and function (PolyPhen-2) suggests that this variant is likely to be tolerated. In summary, the available evidence is currently insufficient to determine the role of this variant in disease. Therefore, it has been classified as a Variant of Uncertain Significance.

NM_015874.6(RBPJ):c.1327_1328delinsAA (p.Ala443Lys)

Gene: RBPJ (recombination signal binding protein for immunoglobulin kappa J region; plus strand). Cytogenetic location: 4p15.2.
Variant type: Indel.
Coding change: c.1327_1328delinsAA on transcript NM_015874.6 (MANE Select); coding-DNA positions 1327 to 1328, GC replaced by AA.
Protein change: p.Ala443Lys; replaces alanine 443 with lysine.
Molecular consequence: missense variant.
Genome position (GRCh38, 1-based): chr4:26,430,870-26,430,871, GC replaced by AA. VCF-style: chr4-26430870-GC-AA. GRCh37 (hg19) VCF-style: chr4-26432492-GC-AA.
Other names: c.1261_1262delinsAA, p.Ala421Lys (NM_001363577.2, NM_203283.5); c.1366_1367delinsAA, p.Ala456Lys (NM_001374400.1, NM_005349.4); c.1324_1325delinsAA, p.Ala442Lys (NM_001374401.1, NM_001374402.1, NM_001374403.1 and 3 more transcripts); c.1210_1211delinsAA, p.Ala404Lys (NM_001379408.1); c.1165_1166delinsAA, p.Ala389Lys (NM_001379409.1); short protein forms A389K, A404K, A421K, A442K, A443K, A456K.
Identifiers: ClinVar variation 1717092 (VCV001717092.5), dbSNP rs2475374213, ClinGen allele CA2580071044.